The following is an entry in ClinVar:

NM_000038.6(APC):c.5197C>A (p.Pro1733Thr)

Gene: APC (APC regulator of Wnt signaling pathway; plus strand). Cytogenetic location: 5q22.2.
Variant type: single nucleotide variant.
Coding change: c.5197C>A on transcript NM_000038.6 (MANE Select); coding-DNA position 5197, C replaced by A.
Protein change: p.Pro1733Thr; replaces proline 1733 with threonine.
Molecular consequence: missense variant. On other transcripts: non-coding transcript variant (2).
Genome position (GRCh38, 1-based): chr5:112,840,791, C>A. VCF-style: chr5-112840791-C-A. GRCh37 (hg19) VCF-style: chr5-112176488-C-A.
Other names: c.5122C>A, p.Pro1708Thr (NM_001354898.2); c.5113C>A, p.Pro1705Thr (NM_001354899.2); c.5074C>A, p.Pro1692Thr (NM_001354900.2); c.5020C>A, p.Pro1674Thr (NM_001354901.2, NM_001407453.1); c.4924C>A, p.Pro1642Thr (NM_001354902.2); c.4894C>A, p.Pro1632Thr (NM_001354903.2, NM_001407458.1, NM_001407459.1 and 1 more transcripts); c.4819C>A, p.Pro1607Thr (NM_001354904.2); c.4717C>A, p.Pro1573Thr (NM_001354905.2); and 12 more; short protein forms P1450T, P1650T, P1692T, P1705T, P1723T, P1743T, P1761T, P1573T.
Identifiers: ClinVar variation 3666764 (VCV003666764.3).
Genomic context (GRCh38, chr5:112,840,791, plus strand): 5'-TTGGATGACAATAAAGCAGAGGAAGGTGATATTCTTGCAGAATGCATTAATTCTGCTATG[C>A]CCAAAGGGAAAAGTCACAAGCCTTTCCGTGTGAAAAAGATAATGGACCAGGTCCAGCAAG-3'
Protein context (NP_000029.2, residues 1723-1743): ILAECINSAM[Pro1733Thr]KGKSHKPFRV

ClinVar aggregate classification (germline): Uncertain significance. Review status: criteria provided, multiple submitters, no conflicts (2 of 4 stars). 2 submissions from 2 submitters: Uncertain significance (2). Last evaluated 2026-02-17.

Conditions:
Hereditary cancer-predisposing syndrome. Also called: Hereditary Cancer Syndrome; Neoplastic Syndromes, Hereditary; Tumor predisposition; Hereditary neoplastic syndrome. Identifiers: Orphanet 140162, MedGen C0027672, MeSH D009386, MONDO:0015356.
Familial adenomatous polyposis 1 (FAP1). Also called: FAMILIAL ADENOMATOUS POLYPOSIS 1, ATTENUATED; POLYPOSIS, ADENOMATOUS INTESTINAL. Identifiers: MedGen C2713442, MONDO:0021056, OMIM 175100. Disease mechanism: loss of function.

Submissions (2):

Ambry Genetics
Classification: Uncertain significance for Hereditary cancer-predisposing syndrome. Last evaluated: 2026-02-17. Review status: criteria provided, single submitter. Criteria: Ambry Variant Classification Scheme 2023. Collection method: clinical testing. Allele origin: germline.
Comment: The p.P1733T variant (also known as c.5197C>A), located in coding exon 15 of the APC gene, results from a C to A substitution at nucleotide position 5197. The proline at codon 1733 is replaced by threonine, an amino acid with highly similar properties. Missense variants in APC are not a common cause of disease (Spier I et al. Genet Med. 2024 Feb;26(2):100992). This amino acid position is highly conserved in available vertebrate species. In addition, in silico predictors for this gene do not accurately predict pathogenicity. Based on the available evidence, the clinical significance of this variant remains unclear.

Labcorp Genetics (formerly Invitae), Labcorp
Classification: Uncertain significance for Familial adenomatous polyposis 1. Last evaluated: 2024-05-08. Review status: criteria provided, single submitter. Criteria: Invitae Variant Classification Sherloc (09022015). Collection method: clinical testing. Allele origin: germline.
Comment: This sequence change replaces proline, which is neutral and non-polar, with threonine, which is neutral and polar, at codon 1733 of the APC protein (p.Pro1733Thr). This variant is not present in population databases (gnomAD no frequency). This variant has not been reported in the literature in individuals affected with APC-related conditions. Advanced modeling of protein sequence and biophysical properties (such as structural, functional, and spatial information, amino acid conservation, physicochemical variation, residue mobility, and thermodynamic stability) performed at Invitae indicates that this missense variant is not expected to disrupt APC protein function with a negative predictive value of 95%. In summary, the available evidence is currently insufficient to determine the role of this variant in disease. Therefore, it has been classified as a Variant of Uncertain Significance.